The following is an entry in ClinVar:

NM_001170629.2(CHD8):c.4321dup (p.Tyr1441fs)

Gene: CHD8 (chromodomain helicase DNA binding protein 8; minus strand). Cytogenetic location: 14q11.2.
Variant type: Duplication.
Coding change: c.4321dup on transcript NM_001170629.2 (MANE Select); coding-DNA position 4321, one base duplicated (T; older notation c.4321dupT).
Protein change: p.Tyr1441fs; shifts the reading frame from tyrosine 1441.
Molecular consequence: frameshift variant.
Genome position (GRCh38, 1-based): chr14:21,400,924, A duplicated on the plus strand (T on the coding strand, the reverse complement: CHD8 is on the minus strand). VCF-style (leftmost placement, unchanged base first): chr14-21400923-T-TA. GRCh37 (hg19) VCF-style: chr14-21869082-T-TA.
Other names: c.3484dup, p.Tyr1162fs (NM_020920.4); short protein forms Y1162fs, Y1441fs.
Identifiers: ClinVar variation 3725508 (VCV003725508.2).

ClinVar aggregate classification (germline): Pathogenic (1 of 4 stars; one submission).

Submission:

Labcorp Genetics (formerly Invitae), Labcorp
Classification: Pathogenic. Last evaluated: 2024-11-18. Review status: criteria provided, single submitter. Criteria: Invitae Variant Classification Sherloc (09022015). Collection method: clinical testing. Allele origin: germline.
Comment: This sequence change creates a premature translational stop signal (p.Tyr1441Leufs*5) in the CHD8 gene. It is expected to result in an absent or disrupted protein product. Loss-of-function variants in CHD8 are known to be pathogenic (PMID: 24998929, 26789910). This variant is not present in population databases (gnomAD no frequency). This variant has not been reported in the literature in individuals affected with CHD8-related conditions. For these reasons, this variant has been classified as Pathogenic.

Literature cited by the submitters: PubMed 24998929; PubMed 26789910.